The following is an entry in ClinVar:

NM_018206.6(VPS35):c.199+8T>C

Gene: VPS35 (VPS35 retromer complex component; minus strand). Cytogenetic location: 16q11.2.
Variant type: single nucleotide variant.
Coding change: c.199+8T>C on transcript NM_018206.6 (MANE Select); 8 bases into the intron after coding-DNA position 199, T replaced by C.
Molecular consequence: intron variant.
Genome position (GRCh38, 1-based): chr16:46,682,071, A>G on the plus strand (T>C on the coding strand, the complement: VPS35 is on the minus strand). VCF-style: chr16-46682071-A-G. GRCh37 (hg19) VCF-style: chr16-46715983-A-G.
Identifiers: ClinVar variation 2578765 (VCV002578765.28), dbSNP rs367591332, ClinGen allele CA8037100.

ClinVar aggregate classification (germline): Benign. Review status: criteria provided, multiple submitters, no conflicts (2 of 4 stars). 2 submissions from 2 submitters: Benign (2). Last evaluated 2025-10-01.

Conditions:
Parkinson disease 17 (PARK17). Also called: VPS35-Related Parkinson Disease. Identifiers: Orphanet 411602, MedGen C3280133, MONDO:0013625, OMIM 614203.

Allele frequency attached by ClinVar (database versions not stated): ESP Exome Variant Server 0.00008; TOPMed 0.00008; gnomAD 0.00029; gnomAD exomes 0.00057; 1000 Genomes Project 30x 0.00078; 1000 Genomes Project 0.00100; ExAC 0.00126.
gnomAD v4.1: 854 of 1,606,112 alleles (0.053%); highest among the groups gnomAD compares: South Asian, 0.85%; 17 homozygotes.

Submissions (2):

Labcorp Genetics (formerly Invitae), Labcorp
Classification: Benign for Parkinson disease 17. Last evaluated: 2025-10-01. Review status: criteria provided, single submitter. Criteria: Invitae Variant Classification Sherloc (09022015). Collection method: clinical testing. Allele origin: germline.

CeGaT Center for Human Genetics Tuebingen
Classification: Benign. Last evaluated: 2023-07-01. Review status: criteria provided, single submitter. Criteria: CeGaT Center For Human Genetics Tuebingen Variant Classification Criteria Version 2. Collection method: clinical testing. Allele origin: germline. Affected: yes. Observed: 1 variant allele.
Comment: VPS35: BP4, BS1, BS2